The following is an entry in ClinVar:

NM_014797.3(ZBTB24):c.1310A>C (p.Glu437Ala)

Gene: ZBTB24 (zinc finger and BTB domain containing 24; minus strand). Cytogenetic location: 6q21.
Variant type: single nucleotide variant.
Coding change: c.1310A>C on transcript NM_014797.3 (MANE Select); coding-DNA position 1310, A replaced by C.
Protein change: p.Glu437Ala; replaces glutamic acid 437 with alanine.
Molecular consequence: missense variant.
Genome position (GRCh38, 1-based): chr6:109,467,713, T>G on the plus strand (A>C on the coding strand, the complement: ZBTB24 is on the minus strand). VCF-style: chr6-109467713-T-G. GRCh37 (hg19) VCF-style: chr6-109788916-T-G.
Other names: short protein forms E437A.
Identifiers: ClinVar variation 2012658 (VCV002012658.4), dbSNP rs2482855553, ClinGen allele CA365199439.
Genomic context (GRCh38, chr6:109,467,713, plus strand): 5'-CGATGGATTCTGATGTGGGTCTGAAGAGAACTCTTTGCTGTGAAAGATTTGCCACAGATT[T>G]CACAAGTAAATGGCTTCTCACCTAAAAAAAACAAAAACAAAAACAAAAAACCCAAAACAA-3'
Protein context (NP_055612.2, residues 427-447): THTGEKPFTC[Glu437Ala]ICGKSFTAKS

ClinVar aggregate classification (germline): Uncertain significance (1 of 4 stars; one submission).

Conditions:
Immunodeficiency-centromeric instability-facial anomalies syndrome 2 (ICF2). Identifiers: Orphanet 2268, MedGen C3279748, MONDO:0013553, OMIM 614069.

Submission:

Labcorp Genetics (formerly Invitae), Labcorp
Classification: Uncertain significance for Immunodeficiency-centromeric instability-facial anomalies syndrome 2. Last evaluated: 2022-07-01. Review status: criteria provided, single submitter. Criteria: Invitae Variant Classification Sherloc (09022015). Collection method: clinical testing. Allele origin: germline.
Comment: In summary, the available evidence is currently insufficient to determine the role of this variant in disease. Therefore, it has been classified as a Variant of Uncertain Significance. Algorithms developed to predict the effect of missense changes on protein structure and function are either unavailable or do not agree on the potential impact of this missense change (SIFT: "Not Available"; PolyPhen-2: "Possibly Damaging"; Align-GVGD: "Not Available"). This variant has not been reported in the literature in individuals affected with ZBTB24-related conditions. This variant is not present in population databases (gnomAD no frequency). This sequence change replaces glutamic acid, which is acidic and polar, with alanine, which is neutral and non-polar, at codon 437 of the ZBTB24 protein (p.Glu437Ala).